The following is an entry in ClinVar:

ClinVar aggregate classification (germline): Benign/Likely benign. Review status: criteria provided, multiple submitters, no conflicts (2 of 4 stars). 5 submissions from 5 submitters: Benign (2); Likely benign (2). 1 of the submissions does not count toward it. Last evaluated 2026-05-01.

Conditions:
Epidermolysis bullosa dystrophica. Also called: Dystrophic epidermolysis bullosa, Hallopeau-Siemens type (formerly); Dystrophic epidermolysis bullosa. Identifiers: Orphanet 303, MedGen C0079294, MONDO:0006543.

Allele frequency attached by ClinVar (database versions not stated): gnomAD exomes 0.00028 and 0.00057; ExAC 0.00081; 1000 Genomes Project 30x 0.00250; 1000 Genomes Project 0.00260; ESP Exome Variant Server 0.00269; gnomAD 0.00299 and 0.00322; TOPMed 0.00305.
gnomAD v4.1: 867 of 1,613,236 alleles (0.054%); highest among the groups gnomAD compares: African/African-American, 1%; 6 homozygotes.

Submissions (5):

CeGaT Center for Human Genetics Tuebingen
Classification: Likely benign. Last evaluated: 2026-05-01. Review status: criteria provided, single submitter. Criteria: CeGaT Center For Human Genetics Tuebingen Variant Classification Criteria Version 2. Collection method: clinical testing. Allele origin: germline. Affected: yes. Observed: 2 variant alleles.
Comment: COL7A1: BP4, BP7, BS1

Labcorp Genetics (formerly Invitae), Labcorp
Classification: Benign. Last evaluated: 2026-02-01. Review status: criteria provided, single submitter. Criteria: Invitae Variant Classification Sherloc (09022015). Collection method: clinical testing. Allele origin: germline.

Blueprint Genetics
Classification: Likely benign. Last evaluated: 2024-11-11. Review status: criteria provided, single submitter. Criteria: ACMG Guidelines, 2015. Collection method: clinical testing. Allele origin: germline.

Breakthrough Genomics
Classification: Benign. Review status: criteria provided, single submitter. Criteria: ACMG Guidelines, 2015. Collection method: not provided. Allele origin: germline. Inheritance: Autosomal recessive inheritance. Affected: yes.

Natera, Inc.
Classification: Likely benign for Dystrophic epidermolysis bullosa. Last evaluated: 2019-10-22. Review status: no assertion criteria provided. Collection method: clinical testing. Allele origin: germline. Not counted in ClinVar's aggregate classification.

NM_000094.4(COL7A1):c.8472C>T (p.Ala2824=)

Gene: COL7A1 (collagen type VII alpha 1 chain; minus strand). Cytogenetic location: 3p21.31.
Variant type: single nucleotide variant.
Coding change: c.8472C>T on transcript NM_000094.4 (MANE Select); coding-DNA position 8472, C replaced by T.
Protein change: p.Ala2824=; no amino-acid change (alanine 2824 retained).
Molecular consequence: synonymous variant.
Genome position (GRCh38, 1-based): chr3:48,565,465, G>A on the plus strand (C>T on the coding strand, the complement: COL7A1 is on the minus strand). VCF-style: chr3-48565465-G-A. GRCh37 (hg19) VCF-style: chr3-48602898-G-A.
Identifiers: ClinVar variation 787786 (VCV000787786.36), dbSNP rs116591500, ClinGen allele CA2377986.